The following is an entry in ClinVar:

NM_000359.3(TGM1):c.694G>T (p.Glu232Ter)

Gene: TGM1 (transglutaminase 1; minus strand). Cytogenetic location: 14q12.
Variant type: single nucleotide variant.
Coding change: c.694G>T on transcript NM_000359.3 (MANE Select); coding-DNA position 694, G replaced by T.
Protein change: p.Glu232Ter; replaces glutamic acid 232 with a stop codon.
Molecular consequence: nonsense.
Genome position (GRCh38, 1-based): chr14:24,260,513, C>A on the plus strand (G>T on the coding strand, the complement: TGM1 is on the minus strand). VCF-style: chr14-24260513-C-A. GRCh37 (hg19) VCF-style: chr14-24729719-C-A.
Other names: short protein forms E232*.
Identifiers: ClinVar variation 2831787 (VCV002831787.3), dbSNP rs2502505636, ClinGen allele CA389272188.

ClinVar aggregate classification (germline): Pathogenic (1 of 4 stars; one submission).

gnomAD v4.1: 1 of 1,614,240 alleles (0.000062%); no homozygotes.

Submission:

Labcorp Genetics (formerly Invitae), Labcorp
Classification: Pathogenic. Last evaluated: 2023-01-24. Review status: criteria provided, single submitter. Criteria: Invitae Variant Classification Sherloc (09022015). Collection method: clinical testing. Allele origin: germline.
Comment: This sequence change creates a premature translational stop signal (p.Glu232*) in the TGM1 gene. It is expected to result in an absent or disrupted protein product. Loss-of-function variants in TGM1 are known to be pathogenic (PMID: 18948357, 19241467). This variant is not present in population databases (gnomAD no frequency). This variant has not been reported in the literature in individuals affected with TGM1-related conditions. For these reasons, this variant has been classified as Pathogenic.

Literature cited by the submitters: PubMed 18948357; PubMed 19241467.